The following is an entry in ClinVar:

NM_018089.3(ANKZF1):c.711G>A (p.Thr237=)

Gene: ANKZF1 (ankyrin repeat and zinc finger peptidyl tRNA hydrolase 1; plus strand). Cytogenetic location: 2q35.
Variant type: single nucleotide variant.
Coding change: c.711G>A on transcript NM_018089.3 (MANE Select); coding-DNA position 711, G replaced by A.
Protein change: p.Thr237=; no amino-acid change (threonine 237 retained).
Molecular consequence: synonymous variant.
Genome position (GRCh38, 1-based): chr2:219,233,325, G>A. VCF-style: chr2-219233325-G-A. GRCh37 (hg19) VCF-style: chr2-220098047-G-A.
Other names: c.711G>A, p.Thr237= (NM_001042410.2); c.81G>A, p.Thr27= (NM_001282792.2).
Identifiers: ClinVar variation 1476929 (VCV001476929.6), dbSNP rs775987387, ClinGen allele CA2120843.

ClinVar aggregate classification (germline): Uncertain significance (1 of 4 stars; one submission).

Allele frequency attached by ClinVar (database versions not stated): ExAC 0.00001; gnomAD exomes 0.00001; gnomAD 0.00003; TOPMed 0.00004.
gnomAD v4.1: 88 of 1,614,120 alleles (0.0055%); highest among the groups gnomAD compares: Non-Finnish European, 0.0069%; no homozygotes.

Submission:

Labcorp Genetics (formerly Invitae), Labcorp
Classification: Uncertain significance. Last evaluated: 2025-06-25. Review status: criteria provided, single submitter. Criteria: Invitae Variant Classification Sherloc (09022015). Collection method: clinical testing. Allele origin: germline.
Comment: This sequence change affects codon 237 of the ANKZF1 mRNA. It is a 'silent' change, meaning that it does not change the encoded amino acid sequence of the ANKZF1 protein. This variant is present in population databases (rs775987387, gnomAD 0.003%). This variant has not been reported in the literature in individuals affected with ANKZF1-related conditions. ClinVar contains an entry for this variant (Variation ID: 1476929). Algorithms developed to predict the effect of sequence changes on RNA splicing suggest that this variant may disrupt the consensus splice site. In summary, the available evidence is currently insufficient to determine the role of this variant in disease. Therefore, it has been classified as a Variant of Uncertain Significance.